The following is an entry in ClinVar:

NM_000051.4(ATM):c.617A>G (p.Asn206Ser)

Gene: ATM (ATM serine/threonine kinase; plus strand). Cytogenetic location: 11q22.3.
Variant type: single nucleotide variant.
Coding change: c.617A>G on transcript NM_000051.4 (MANE Select); coding-DNA position 617, A replaced by G.
Protein change: p.Asn206Ser; replaces asparagine 206 with serine.
Molecular consequence: missense variant.
Genome position (GRCh38, 1-based): chr11:108,244,073, A>G. VCF-style: chr11-108244073-A-G. GRCh37 (hg19) VCF-style: chr11-108114800-A-G.
Other names: c.617A>G, p.Asn206Ser (NM_001351834.2); short protein forms N206S.
Identifiers: ClinVar variation 3663261 (VCV003663261.2).
Genomic context (GRCh38, chr11:108,244,073, plus strand): 5'-TAGTGGCTAGAATAATTCATGCTGTTACCAAAGGATGCTGTTCTCAGACTGACGGATTAA[A>G]TTCCAAATTTTTGGACTTTTTTTCCAAGGCTATTCAGTGTGCGAGGTAATCTAATCTCTT-3'
Protein context (NP_000042.3, residues 196-216): KGCCSQTDGL[Asn206Ser]SKFLDFFSKA

ClinVar aggregate classification (germline): Uncertain significance (1 of 4 stars; one submission).

Conditions:
Ataxia-telangiectasia syndrome (AT). Also called: LOUIS-BAR SYNDROME; Cerebello-oculocutaneous telangiectasia; Immunodeficiency with ataxia telangiectasia; ATAXIA-TELANGIECTASIA, COMPLEMENTATION GROUP A; ATAXIA-TELANGIECTASIA, FRESNO VARIANT; Ataxia-telangiectasia, complementation group D. Identifiers: Orphanet 100, MedGen C0004135, MONDO:0008840, OMIM 208900.

Submission:

Labcorp Genetics (formerly Invitae), Labcorp
Classification: Uncertain significance for Ataxia-telangiectasia syndrome. Last evaluated: 2024-08-22. Review status: criteria provided, single submitter. Criteria: Invitae Variant Classification Sherloc (09022015). Collection method: clinical testing. Allele origin: germline.
Comment: This sequence change replaces asparagine, which is neutral and polar, with serine, which is neutral and polar, at codon 206 of the ATM protein (p.Asn206Ser). This variant is not present in population databases (gnomAD no frequency). This variant has not been reported in the literature in individuals affected with ATM-related conditions. An algorithm developed to predict the effect of missense changes on protein structure and function (PolyPhen-2) suggests that this variant is likely to be tolerated. In summary, the available evidence is currently insufficient to determine the role of this variant in disease. Therefore, it has been classified as a Variant of Uncertain Significance.